The following is an entry in ClinVar:

ClinVar aggregate classification (germline): Uncertain significance (1 of 4 stars; one submission).

Allele frequency attached by ClinVar (database versions not stated): gnomAD exomes below 0.00001.
gnomAD v4.1: 1 of 1,613,996 alleles (0.000062%); highest among the groups gnomAD compares: Non-Finnish European, 0.000085%; no homozygotes.

Submission:

Labcorp Genetics (formerly Invitae), Labcorp
Classification: Uncertain significance. Last evaluated: 2023-10-23. Review status: criteria provided, single submitter. Criteria: Invitae Variant Classification Sherloc (09022015). Collection method: clinical testing. Allele origin: germline.
Comment: This sequence change replaces glutamic acid, which is acidic and polar, with valine, which is neutral and non-polar, at codon 1484 of the VCAN protein (p.Glu1484Val). This variant is not present in population databases (gnomAD no frequency). This variant has not been reported in the literature in individuals affected with VCAN-related conditions. An algorithm developed to predict the effect of missense changes on protein structure and function (PolyPhen-2) suggests that this variant is likely to be disruptive. In summary, the available evidence is currently insufficient to determine the role of this variant in disease. Therefore, it has been classified as a Variant of Uncertain Significance.

NM_004385.5(VCAN):c.4451A>T (p.Glu1484Val)

Genes: VCAN (versican; plus strand), VCAN-AS1 (VCAN antisense RNA 1; minus strand). Cytogenetic location: 5q14.3.
Variant type: single nucleotide variant.
Coding change: c.4451A>T on transcript NM_004385.5 (MANE Select); coding-DNA position 4451, A replaced by T.
Protein change: p.Glu1484Val; replaces glutamic acid 1484 with valine.
Molecular consequence: missense variant. On other transcripts: intron variant (2).
Genome position (GRCh38, 1-based): chr5:83,537,454, A>T. VCF-style: chr5-83537454-A-T. GRCh37 (hg19) VCF-style: chr5-82833273-A-T.
Other names: c.1490A>T, p.Glu497Val (NM_001164097.2); c.4004-8083A>T (NM_001164098.2); c.1043-8083A>T (NM_001126336.3); short protein forms E497V, E1484V.
Identifiers: ClinVar variation 2799463 (VCV002799463.3), dbSNP rs2479103743, ClinGen allele CA360308284.